The following is an entry in ClinVar:

NM_005560.6(LAMA5):c.9501C>T (p.Ser3167=)

Gene: LAMA5 (laminin subunit alpha 5; minus strand). Cytogenetic location: 20q13.33.
Variant type: single nucleotide variant.
Coding change: c.9501C>T on transcript NM_005560.6 (MANE Select); coding-DNA position 9501, C replaced by T.
Protein change: p.Ser3167=; no amino-acid change (serine 3167 retained).
Molecular consequence: synonymous variant.
Genome position (GRCh38, 1-based): chr20:62,312,176, G>A on the plus strand (C>T on the coding strand, the complement: LAMA5 is on the minus strand). VCF-style: chr20-62312176-G-A. GRCh37 (hg19) VCF-style: chr20-60887232-G-A.
Other names: c.9501C>T (NM_005560.4).
Identifiers: ClinVar variation 2798220 (VCV002798220.5), dbSNP rs2516648969, ClinGen allele CA511325576.
Genomic context (GRCh38, chr20:62,312,176, plus strand): 5'-CCAACTGCTCCGACGGCCACCGCGGGGTGGGGAATGGGCACGGGTGTGAGGTCTCACCGG[G>A]GACGCCCGGTAGTAGAGCAGGGCACTGTCCTGGGCGCTGTGGAAGCCGAAGCCGGAGTAG-3'
Protein context (NP_005551.3, residues 3157-3177): QDSALLYYRA[Ser3167=]PDGLCQVSLQ

ClinVar aggregate classification (germline): Likely benign. Review status: criteria provided, single submitter (1 of 4 stars). 2 submissions from 2 submitters: Likely benign (1). 1 of the submissions does not count toward it. Last evaluated 2023-07-20.

Conditions:
LAMA5-related disorder. Also called: LAMA5-Related Disorders; LAMA5-related condition.

Allele frequency attached by ClinVar (database versions not stated): gnomAD exomes below 0.00001.
gnomAD v4.1: 1 of 1,610,662 alleles (0.000062%); highest among the groups gnomAD compares: South Asian, 0.0011%; no homozygotes.

Submissions (2):

Labcorp Genetics (formerly Invitae), Labcorp
Classification: Likely benign. Last evaluated: 2023-07-20. Review status: criteria provided, single submitter. Criteria: Invitae Variant Classification Sherloc (09022015). Collection method: clinical testing. Allele origin: germline.

PreventionGenetics, part of Exact Sciences
Classification: Likely benign for LAMA5-related condition. Last evaluated: 2020-08-04. Review status: no assertion criteria provided. Collection method: clinical testing. Allele origin: germline. Not counted in ClinVar's aggregate classification.
Comment: This variant is classified as likely benign based on ACMG/AMP sequence variant interpretation guidelines (Richards et al. 2015 PMID: 25741868, with internal and published modifications).